The following is an entry in ClinVar:

NM_001386795.1(DTNA):c.482T>C (p.Val161Ala)

Gene: DTNA (dystrobrevin alpha; plus strand). Cytogenetic location: 18q12.1.
Variant type: single nucleotide variant.
Coding change: c.482T>C on transcript NM_001386795.1 (MANE Select); coding-DNA position 482, T replaced by C.
Protein change: p.Val161Ala; replaces valine 161 with alanine.
Molecular consequence: missense variant.
Genome position (GRCh38, 1-based): chr18:34,811,992, T>C. VCF-style: chr18-34811992-T-C. GRCh37 (hg19) VCF-style: chr18-32391956-T-C.
Other names: c.482T>C, p.Val161Ala (NM_001386762.1, NM_001386763.1, NM_001386764.1 and 35 more transcripts); c.482T>C (NM_001390.4); short protein forms V161A.
Identifiers: ClinVar variation 579329 (VCV000579329.15), dbSNP rs199960642, ClinGen allele CA8935394.

ClinVar aggregate classification (germline): Uncertain significance. Review status: criteria provided, multiple submitters, no conflicts (2 of 4 stars). 4 submissions from 4 submitters: Uncertain significance (2). 2 of the submissions do not count toward it. Last evaluated 2025-12-19.

Conditions:
Left ventricular noncompaction 1 (LVNC1). Also called: LEFT VENTRICULAR NONCOMPACTION 1 WITH OR WITHOUT CONGENITAL HEART DEFECTS. Identifiers: Orphanet 54260, MedGen C1858725, MONDO:0011403, OMIM 604169.
DTNA-related disorder. Also called: DTNA-related condition.

Allele frequency attached by ClinVar (database versions not stated): gnomAD 0.00008 and 0.00007; TOPMed 0.00011; ESP Exome Variant Server 0.00015; ExAC 0.00003; gnomAD exomes 0.00005 and 0.00006.
gnomAD v4.1: 91 of 1,613,896 alleles (0.0056%); highest among the groups gnomAD compares: Middle Eastern, 0.033%; no homozygotes.

Submissions (4):

Labcorp Genetics (formerly Invitae), Labcorp
Classification: Uncertain significance for Left ventricular noncompaction 1. Last evaluated: 2025-12-19. Review status: criteria provided, single submitter. Criteria: Invitae Variant Classification Sherloc (09022015). Collection method: clinical testing. Allele origin: germline.
Comment: This sequence change replaces valine, which is neutral and non-polar, with alanine, which is neutral and non-polar, at codon 161 of the DTNA protein (p.Val161Ala). This variant is present in population databases (rs199960642, gnomAD 0.01%). This variant has not been reported in the literature in individuals affected with DTNA-related conditions. ClinVar contains an entry for this variant (Variation ID: 579329). Invitae Evidence Modeling of protein sequence and biophysical properties (such as structural, functional, and spatial information, amino acid conservation, physicochemical variation, residue mobility, and thermodynamic stability) indicates that this missense variant is not expected to disrupt DTNA protein function with a negative predictive value of 80%. In summary, the available evidence is currently insufficient to determine the role of this variant in disease. Therefore, it has been classified as a Variant of Uncertain Significance.

PreventionGenetics, part of Exact Sciences
Classification: Uncertain significance for DTNA-related condition. Last evaluated: 2025-01-24. Review status: criteria provided, single submitter. Criteria: ACMG Guidelines, 2015. Collection method: clinical testing. Allele origin: germline.
Comment: The DTNA c.482T>C variant is predicted to result in the amino acid substitution p.Val161Ala. To our knowledge, this variant has not been reported in the literature. This variant is reported in 0.014% of alleles in individuals of Latino descent in gnomAD. Although we suspect that this variant may be benign, at this time, the clinical significance of this variant is uncertain due to the absence of conclusive functional and genetic evidence.

Clinical Genetics DNA and cytogenetics Diagnostics Lab, Erasmus MC, Erasmus Medical Center
Classification: Likely benign. Review status: no assertion criteria provided. Collection method: clinical testing. Allele origin: germline. Affected: yes. Study: VKGL Data-share Consensus. Not counted in ClinVar's aggregate classification.

Diagnostic Laboratory, Department of Genetics, University Medical Center Groningen
Classification: Likely benign. Review status: no assertion criteria provided. Collection method: clinical testing. Allele origin: germline. Affected: yes. Study: VKGL Data-share Consensus. Not counted in ClinVar's aggregate classification.